The following is an entry in ClinVar:

NM_006892.4(DNMT3B):c.1858G>A (p.Gly620Arg)

Gene: DNMT3B (DNA methyltransferase 3 beta; plus strand). Cytogenetic location: 20q11.21.
Variant type: single nucleotide variant.
Coding change: c.1858G>A on transcript NM_006892.4 (MANE Select); coding-DNA position 1858, G replaced by A.
Protein change: p.Gly620Arg; replaces glycine 620 with arginine.
Molecular consequence: missense variant.
Genome position (GRCh38, 1-based): chr20:32,800,251, G>A. VCF-style: chr20-32800251-G-A. GRCh37 (hg19) VCF-style: chr20-31388057-G-A.
Other names: c.1858G>A (NM_006892.3); c.1672G>A, p.Gly558Arg (NM_001207055.2); c.1570G>A, p.Gly524Arg (NM_001207056.2); c.1798G>A, p.Gly600Arg (NM_175848.2, NM_175849.2); c.1834G>A, p.Gly612Arg (NM_175850.3); short protein forms G620R, G558R, G612R, G600R, G524R.
Identifiers: ClinVar variation 598734 (VCV000598734.14), dbSNP rs932308287, ClinGen allele CA313155139.

ClinVar aggregate classification (germline): Uncertain significance. Review status: criteria provided, multiple submitters, no conflicts (2 of 4 stars). 3 submissions from 3 submitters: Uncertain significance (3). Last evaluated 2024-04-03.

Conditions:
Inborn genetic diseases. Identifiers: MedGen C0950123, MeSH D030342.
Centromeric instability of chromosomes 1,9 and 16 and immunodeficiency (ICF1). Also called: CENTROMERIC INSTABILITY, IMMUNODEFICIENCY SYNDROME; Immunodeficiency-centromeric instability-facial anomalies; IMMUNE DEFICIENCY, VARIABLE, WITH CENTROMERIC INSTABILITY OF CHROMOSOMES 1, 9, AND 16; IMMUNODEFICIENCY SYNDROME, VARIABLE. Identifiers: Orphanet 2268, MedGen C0398788, MONDO:0000133.

Allele frequency attached by ClinVar (database versions not stated): gnomAD exomes below 0.00001; TOPMed 0.00001; gnomAD 0.00002.
gnomAD v4.1: 12 of 1,614,082 alleles (0.00074%); highest among the groups gnomAD compares: African/African-American, 0.0053%; no homozygotes.

Submissions (3):

Labcorp Genetics (formerly Invitae), Labcorp
Classification: Uncertain significance for Centromeric instability of chromosomes 1,9 and 16 and immunodeficiency. Last evaluated: 2024-04-03. Review status: criteria provided, single submitter. Criteria: Invitae Variant Classification Sherloc (09022015). Collection method: clinical testing. Allele origin: germline.
Comment: This sequence change replaces glycine, which is neutral and non-polar, with arginine, which is basic and polar, at codon 620 of the DNMT3B protein (p.Gly620Arg). This variant is present in population databases (no rsID available, gnomAD 0.008%). This variant has not been reported in the literature in individuals affected with DNMT3B-related conditions. ClinVar contains an entry for this variant (Variation ID: 598734). Advanced modeling of protein sequence and biophysical properties (such as structural, functional, and spatial information, amino acid conservation, physicochemical variation, residue mobility, and thermodynamic stability) performed at Invitae indicates that this missense variant is not expected to disrupt DNMT3B protein function with a negative predictive value of 80%. In summary, the available evidence is currently insufficient to determine the role of this variant in disease. Therefore, it has been classified as a Variant of Uncertain Significance.

Ambry Genetics
Classification: Uncertain significance for Inborn genetic diseases. Last evaluated: 2021-09-27. Review status: criteria provided, single submitter. Criteria: Ambry Variant Classification Scheme 2023. Collection method: clinical testing. Allele origin: germline.

Eurofins Ntd Llc (ga)
Classification: Uncertain significance. Last evaluated: 2018-09-18. Review status: criteria provided, single submitter. Criteria: EGL ClinVar v180209 classification definitions. Collection method: clinical testing. Allele origin: germline. Observed: 1 variant allele, 1 heterozygote.